The following is an entry in ClinVar:

ClinVar aggregate classification (germline): Uncertain significance. Review status: criteria provided, multiple submitters, no conflicts (2 of 4 stars). 2 submissions from 2 submitters: Uncertain significance (2). Last evaluated 2022-09-22.

Conditions:
Hereditary cancer-predisposing syndrome. Also called: Neoplastic Syndromes, Hereditary; Hereditary Cancer Syndrome; Hereditary neoplastic syndrome; Tumor predisposition. Identifiers: Orphanet 140162, MedGen C0027672, MeSH D009386, MONDO:0015356.
Familial cancer of breast. Also called: Hereditary breast cancer; hereditary breast carcinoma; BREAST CANCER, FAMILIAL. Identifiers: Orphanet 227535, MedGen C0346153, MONDO:0016419, OMIM 114480. Disease mechanism: loss of function.

Allele frequency attached by ClinVar (database versions not stated): gnomAD exomes below 0.00001.
gnomAD v4.1: 1 of 1,600,542 alleles (0.000062%); highest among the groups gnomAD compares: Non-Finnish European, 0.000085%; no homozygotes.

Submissions (2):

Labcorp Genetics (formerly Invitae), Labcorp
Classification: Uncertain significance for Familial cancer of breast. Last evaluated: 2022-09-22. Review status: criteria provided, single submitter. Criteria: Invitae Variant Classification Sherloc (09022015). Collection method: clinical testing. Allele origin: germline.
Comment: This sequence change replaces serine, which is neutral and polar, with phenylalanine, which is neutral and non-polar, at codon 199 of the BARD1 protein (p.Ser199Phe). This variant is not present in population databases (gnomAD no frequency). This variant has not been reported in the literature in individuals affected with BARD1-related conditions. ClinVar contains an entry for this variant (Variation ID: 933914). Algorithms developed to predict the effect of missense changes on protein structure and function are either unavailable or do not agree on the potential impact of this missense change (SIFT: "Deleterious"; PolyPhen-2: "Possibly Damaging"; Align-GVGD: "Class C0"). In summary, the available evidence is currently insufficient to determine the role of this variant in disease. Therefore, it has been classified as a Variant of Uncertain Significance.

Ambry Genetics
Classification: Uncertain significance for Hereditary cancer-predisposing syndrome. Last evaluated: 2022-05-03. Review status: criteria provided, single submitter. Criteria: Ambry Variant Classification Scheme 2023. Collection method: clinical testing. Allele origin: germline.
Comment: The p.S199F variant (also known as c.596C>T), located in coding exon 4 of the BARD1 gene, results from a C to T substitution at nucleotide position 596. The serine at codon 199 is replaced by phenylalanine, an amino acid with highly dissimilar properties. This amino acid position is conserved. In addition, this alteration is predicted to be tolerated by in silico analysis. Since supporting evidence is limited at this time, the clinical significance of this alteration remains unclear.

NM_000465.4(BARD1):c.596C>T (p.Ser199Phe)

Gene: BARD1 (BRCA1 associated RING domain 1; minus strand). Cytogenetic location: 2q35.
Variant type: single nucleotide variant.
Coding change: c.596C>T on transcript NM_000465.4 (MANE Select); coding-DNA position 596, C replaced by T.
Protein change: p.Ser199Phe; replaces serine 199 with phenylalanine.
Molecular consequence: missense variant. On other transcripts: non-coding transcript variant (2), intron variant (3).
Genome position (GRCh38, 1-based): chr2:214,781,278, G>A on the plus strand (C>T on the coding strand, the complement: BARD1 is on the minus strand). VCF-style: chr2-214781278-G-A. GRCh37 (hg19) VCF-style: chr2-215646002-G-A.
Other names: c.539C>T, p.Ser180Phe (NM_001282543.2); c.158+28134C>T (NM_001282548.2); c.215+15783C>T (NM_001282545.2); c.364+11019C>T (NM_001282549.2); short protein forms S180F, S199F.
Identifiers: ClinVar variation 933914 (VCV000933914.13), dbSNP rs1695013323, ClinGen allele CA350456771.